The following is an entry in ClinVar:

NM_001291303.3(FAT4):c.1012G>A (p.Glu338Lys)

Gene: FAT4 (FAT atypical cadherin 4; plus strand). Cytogenetic location: 4q28.1.
Variant type: single nucleotide variant.
Coding change: c.1012G>A on transcript NM_001291303.3 (MANE Select); coding-DNA position 1012, G replaced by A.
Protein change: p.Glu338Lys; replaces glutamic acid 338 with lysine.
Molecular consequence: missense variant.
Genome position (GRCh38, 1-based): chr4:125,317,423, G>A. VCF-style: chr4-125317423-G-A. GRCh37 (hg19) VCF-style: chr4-126238578-G-A.
Other names: c.1012G>A, p.Glu338Lys (NM_001291285.3, NM_024582.6); short protein forms E338K.
Identifiers: ClinVar variation 813706 (VCV000813706.9), dbSNP rs1452017220, ClinGen allele CA358117005.

ClinVar aggregate classification (germline): Uncertain significance. Review status: criteria provided, multiple submitters, no conflicts (2 of 4 stars). 3 submissions from 3 submitters: Uncertain significance (2). 1 of the submissions does not count toward it. Last evaluated 2024-04-16.

Conditions:
Microcephaly. Also called: Microcephaly (disease). Identifiers: MedGen C4551563, MONDO:0001149, HP:0000252.
Van Maldergem syndrome 2 (VMLDS2). Identifiers: Orphanet 314679, MedGen C3809875, MONDO:0014242, OMIM 615546.
Hennekam lymphangiectasia-lymphedema syndrome 2 (HKLLS2). Identifiers: Orphanet 2136, MedGen C4014939, MONDO:0014454, OMIM 616006.

Allele frequency attached by ClinVar (database versions not stated): gnomAD 0.00001.
gnomAD v4.1: 4 of 1,613,464 alleles (0.00025%); highest among the groups gnomAD compares: Non-Finnish European, 0.00025%; no homozygotes.

Submissions (3):

Institute of Human Genetics, Clinical Exome/Genome Diagnostics Group, University Hospital Bonn
Classification: Uncertain significance for Hennekam lymphangiectasia-lymphedema syndrome 2; Van Maldergem syndrome 2. Last evaluated: 2024-04-16. Review status: criteria provided, single submitter. Criteria: ACMG Guidelines, 2015. Collection method: clinical testing. Allele origin: germline.

Labcorp Genetics (formerly Invitae), Labcorp
Classification: Uncertain significance. Last evaluated: 2022-06-27. Review status: criteria provided, single submitter. Criteria: Invitae Variant Classification Sherloc (09022015). Collection method: clinical testing. Allele origin: germline.
Comment: In summary, the available evidence is currently insufficient to determine the role of this variant in disease. Therefore, it has been classified as a Variant of Uncertain Significance. Advanced modeling of protein sequence and biophysical properties (such as structural, functional, and spatial information, amino acid conservation, physicochemical variation, residue mobility, and thermodynamic stability) performed at Invitae indicates that this missense variant is not expected to disrupt FAT4 protein function. ClinVar contains an entry for this variant (Variation ID: 813706). This variant has not been reported in the literature in individuals affected with FAT4-related conditions. This variant is present in population databases (no rsID available, gnomAD 0.007%). This sequence change replaces glutamic acid, which is acidic and polar, with lysine, which is basic and polar, at codon 338 of the FAT4 protein (p.Glu338Lys).

Department of Pediatrics, Samsung Medical Center, Samsung Medical Center
Classification: Uncertain significance for Microcephaly. Review status: no assertion criteria provided. Criteria: ACMG Guidelines, 2015. Collection method: research. Allele origin: germline. Affected: yes. Not counted in ClinVar's aggregate classification.